The following is an entry in ClinVar:

ClinVar aggregate classification (germline): Likely benign (1 of 4 stars; one submission).

gnomAD v4.1: 1 of 1,614,112 alleles (0.000062%); highest among the groups gnomAD compares: Middle Eastern, 0.017%; no homozygotes.

Submission:

CeGaT Center for Human Genetics Tuebingen
Classification: Likely benign. Last evaluated: 2025-10-01. Review status: criteria provided, single submitter. Criteria: CeGaT Center For Human Genetics Tuebingen Variant Classification Criteria Version 2. Collection method: clinical testing. Allele origin: germline. Affected: yes. Observed: 1 variant allele.
Comment: CDK5RAP2: BP4, BS2

NM_018249.6(CDK5RAP2):c.2873A>C (p.Gln958Pro)

Gene: CDK5RAP2 (CDK5 regulatory subunit associated protein 2; minus strand). Cytogenetic location: 9q33.2.
Variant type: single nucleotide variant.
Coding change: c.2873A>C on transcript NM_018249.6 (MANE Select); coding-DNA position 2873, A replaced by C.
Protein change: p.Gln958Pro; replaces glutamine 958 with proline.
Molecular consequence: missense variant. On other transcripts: non-coding transcript variant (5).
Genome position (GRCh38, 1-based): chr9:120,448,047, T>G on the plus strand (A>C on the coding strand, the complement: CDK5RAP2 is on the minus strand). VCF-style: chr9-120448047-T-G. GRCh37 (hg19) VCF-style: chr9-123210325-T-G.
Other names: c.2873A>C, p.Gln958Pro (NM_001011649.3); c.2183A>C, p.Gln728Pro (NM_001272039.2); c.2774A>C, p.Gln925Pro (NM_001410992.1); c.2777A>C, p.Gln926Pro (NM_001410993.1); c.2870A>C, p.Gln957Pro (NM_001410994.1); short protein forms Q728P, Q925P, Q926P, Q957P, Q958P.
Identifiers: ClinVar variation 4533726 (VCV004533726.6).